The following is an entry in ClinVar:

NM_198510.3(ITIH6):c.3744C>T (p.His1248=)

Gene: ITIH6 (inter-alpha-trypsin inhibitor heavy chain family member 6; minus strand). Cytogenetic location: Xp11.22.
Variant type: single nucleotide variant.
Coding change: c.3744C>T on transcript NM_198510.3 (MANE Select); coding-DNA position 3744, C replaced by T.
Protein change: p.His1248=; no amino-acid change (histidine 1248 retained).
Molecular consequence: synonymous variant.
Genome position (GRCh38, 1-based): chrX:54,750,093, G>A on the plus strand (C>T on the coding strand, the complement: ITIH6 is on the minus strand). VCF-style: chrX-54750093-G-A. GRCh37 (hg19) VCF-style: chrX-54776526-G-A.
Identifiers: ClinVar variation 2660671 (VCV002660671.24), dbSNP rs140483013, ClinGen allele CA10425823.

ClinVar aggregate classification (germline): Likely benign (1 of 4 stars; one submission).

Allele frequency attached by ClinVar (database versions not stated): TOPMed 0.00024; gnomAD 0.00027; ExAC 0.00032; ESP Exome Variant Server 0.00047; 1000 Genomes Project 0.00053; 1000 Genomes Project 30x 0.00062.
gnomAD v4.1: 442 of 1,203,674 alleles (0.037%); highest among the groups gnomAD compares: Middle Eastern, 0.076%; 1 homozygote.

Submission:

CeGaT Center for Human Genetics Tuebingen
Classification: Likely benign. Last evaluated: 2023-01-01. Review status: criteria provided, single submitter. Criteria: CeGaT Center For Human Genetics Tuebingen Variant Classification Criteria Version 2. Collection method: clinical testing. Allele origin: germline. Affected: yes. Observed: 2 variant alleles.
Comment: ITIH6: BP4, BP7, BS2